The following is an entry in ClinVar:

NM_172250.3(MMAA):c.1076G>A (p.Arg359Gln)

Gene: MMAA (metabolism of cobalamin associated A; plus strand). Cytogenetic location: 4q31.21.
Variant type: single nucleotide variant.
Coding change: c.1076G>A on transcript NM_172250.3 (MANE Select); coding-DNA position 1076, G replaced by A.
Protein change: p.Arg359Gln; replaces arginine 359 with glutamine.
Molecular consequence: missense variant.
Genome position (GRCh38, 1-based): chr4:145,655,253, G>A. VCF-style: chr4-145655253-G-A. GRCh37 (hg19) VCF-style: chr4-146576405-G-A.
Other names: short protein forms R359Q.
Identifiers: ClinVar variation 218979 (VCV000218979.16), dbSNP rs864309731, ClinGen allele CA347905.

ClinVar aggregate classification (germline): Pathogenic/Likely pathogenic. Review status: criteria provided, multiple submitters, no conflicts (2 of 4 stars). 6 submissions from 6 submitters: Pathogenic (3); Likely pathogenic (2). 1 of the submissions does not count toward it. Last evaluated 2025-03-06.

Conditions:
Methylmalonic aciduria, cblA type (MACA). Also called: Vitamin B12-responsive methylmalonic acidemia type cblA; Methylmalonic aciduria, vitamin b12-responsive, due to defect in synthesis of adenosylcobalamin, cbla complementation type; MMA cbl A type; Methylmalonic acidemia cblA type; Methylmalonic aciduria, vitamin B12-responsive. Identifiers: Orphanet 28, Orphanet 79310, MedGen C1855109, MONDO:0009613, OMIM 251100.

Allele frequency attached by ClinVar (database versions not stated): gnomAD 0.00001; gnomAD exomes below 0.00001; TOPMed below 0.00001.
gnomAD v4.1: 3 of 1,614,008 alleles (0.00019%); highest among the groups gnomAD compares: African/African-American, 0.0027%; no homozygotes.

Submissions (6):

Natera, Inc.
Classification: Likely pathogenic for Methylmalonic aciduria cblA type. Last evaluated: 2025-03-06. Review status: criteria provided, single submitter. Criteria: Natera Variant Classification Schema (03/2026). Collection method: clinical testing. Allele origin: germline.
Comment: The c.1076G>A variant in MMAA is a missense variant predicted to cause substitution of arginine to glutamine at amino acid 359. This variant is rare in the general population with a frequency below the threshold expected for the associated phenotype(s). This variant has been observed in one or more individuals affected with the associated recessive disease, as either homozygous or compound heterozygous with a second variant (PMID: 15523652, 33453710). Computational prediction algorithms indicate this variant is likely to affect gene or protein function. Given the available evidence, this variant is classified as Likely Pathogenic.

Baylor Genetics
Classification: Pathogenic for Methylmalonic aciduria, cblA type. Last evaluated: 2024-02-14. Review status: criteria provided, single submitter. Criteria: ACMG Guidelines, 2015. Collection method: clinical testing. Allele origin: unknown.

Labcorp Genetics (formerly Invitae), Labcorp
Classification: Pathogenic for Methylmalonic aciduria, cblA type. Last evaluated: 2023-03-17. Review status: criteria provided, single submitter. Criteria: Invitae Variant Classification Sherloc (09022015). Collection method: clinical testing. Allele origin: germline.
Comment: For these reasons, this variant has been classified as Pathogenic. Studies have shown that this missense change alters MMAA gene expression (PMID: 28497574). Advanced modeling of protein sequence and biophysical properties (such as structural, functional, and spatial information, amino acid conservation, physicochemical variation, residue mobility, and thermodynamic stability) performed at Invitae indicates that this missense variant is expected to disrupt MMAA protein function. ClinVar contains an entry for this variant (Variation ID: 218979). This missense change has been observed in individuals with cobalamin A type methylmalonic aciduria (PMID: 15523652, 28497574, 33453710). This variant is not present in population databases (gnomAD no frequency). This sequence change replaces arginine, which is basic and polar, with glutamine, which is neutral and polar, at codon 359 of the MMAA protein (p.Arg359Gln).

Revvity Omics, Revvity
Classification: Pathogenic for Methylmalonic aciduria, cblA type. Last evaluated: 2019-05-17. Review status: criteria provided, single submitter. Criteria: ACMG Guidelines, 2015. Collection method: clinical testing. Allele origin: germline.

Juno Genomics, Hangzhou Juno Genomics, Inc
Classification: Likely pathogenic for Methylmalonic aciduria, cblA type. Review status: criteria provided, single submitter. Criteria: ACMG Guidelines, 2015. Collection method: clinical testing. Allele origin: germline.
Comment: Absent from controls (or at extremely low frequency if recessive) in Genome Aggregation Database.;Multiple lines of computational evidence support a deleterious effect on the gene or gene product.;For recessive disorders, detected in trans with a pathogenic variant.;Patient's phenotype or family history is highly specific for a disease with a single genetic etiology.

GeneReviews
No classification provided. Condition: Methylmalonic aciduria, cblA type. Review status: no classification provided. Collection method: literature only. Allele origin: germline. Affected: yes. Not counted in ClinVar's aggregate classification.

Literature cited by the submitters: PubMed 15523652 (cited by Natera, Inc. and Labcorp Genetics (formerly Invitae), Labcorp); PubMed 33453710 (cited by Natera, Inc. and Labcorp Genetics (formerly Invitae), Labcorp); PubMed 28497574 (cited by Labcorp Genetics (formerly Invitae), Labcorp); NCBI Bookshelf NBK1231 (cited by GeneReviews).